The following is an entry in ClinVar:

ClinVar aggregate classification (germline): Uncertain significance (1 of 4 stars; one submission).

Allele frequency attached by ClinVar (database versions not stated): gnomAD exomes below 0.00001; TOPMed below 0.00001; ExAC 0.00002.
gnomAD v4.1: 3 of 1,614,172 alleles (0.00019%); highest among the groups gnomAD compares: African/African-American, 0.0027%; no homozygotes.

Submission:

Labcorp Genetics (formerly Invitae), Labcorp
Classification: Uncertain significance. Last evaluated: 2022-05-18. Review status: criteria provided, single submitter. Criteria: Invitae Variant Classification Sherloc (09022015). Collection method: clinical testing. Allele origin: germline.
Comment: In summary, the available evidence is currently insufficient to determine the role of this variant in disease. Therefore, it has been classified as a Variant of Uncertain Significance. This sequence change replaces valine, which is neutral and non-polar, with isoleucine, which is neutral and non-polar, at codon 78 of the SLC39A14 protein (p.Val78Ile). This variant is present in population databases (rs746434540, gnomAD 0.006%). This variant has not been reported in the literature in individuals affected with SLC39A14-related conditions. Algorithms developed to predict the effect of missense changes on protein structure and function output the following: SIFT: "Tolerated"; PolyPhen-2: "Benign"; Align-GVGD: "Class C0". The isoleucine amino acid residue is found in multiple mammalian species, which suggests that this missense change does not adversely affect protein function.

NM_001128431.4(SLC39A14):c.232G>A (p.Val78Ile)

Gene: SLC39A14 (solute carrier family 39 member 14; plus strand). Cytogenetic location: 8p21.3.
Variant type: single nucleotide variant.
Coding change: c.232G>A on transcript NM_001128431.4 (MANE Select); coding-DNA position 232, G replaced by A.
Protein change: p.Val78Ile; replaces valine 78 with isoleucine.
Molecular consequence: missense variant.
Genome position (GRCh38, 1-based): chr8:22,404,942, G>A. VCF-style: chr8-22404942-G-A. GRCh37 (hg19) VCF-style: chr8-22262455-G-A.
Other names: c.232G>A, p.Val78Ile (NM_001135153.3, NM_001135154.3, NM_001351655.2 and 3 more transcripts); c.262G>A, p.Val88Ile (NM_001351657.2, NM_001351658.2, NM_001351659.2); short protein forms V78I, V88I.
Identifiers: ClinVar variation 1939114 (VCV001939114.3), dbSNP rs746434540, ClinGen allele CA4667243.